The following is an entry in ClinVar:

NM_000051.4(ATM):c.8521G>C (p.Asp2841His)

Genes: ATM (ATM serine/threonine kinase; plus strand), C11orf65 (chromosome 11 open reading frame 65; minus strand). Cytogenetic location: 11q22.3.
Variant type: single nucleotide variant.
Coding change: c.8521G>C on transcript NM_000051.4 (MANE Select); coding-DNA position 8521, G replaced by C.
Protein change: p.Asp2841His; replaces aspartic acid 2841 with histidine.
Molecular consequence: missense variant. On other transcripts: intron variant (2).
Genome position (GRCh38, 1-based): chr11:108,345,845, G>C. VCF-style: chr11-108345845-G-C. GRCh37 (hg19) VCF-style: chr11-108216572-G-C.
Other names: c.8521G>C, p.Asp2841His (NM_001351834.2); c.641-36774C>G (NM_001330368.2); c.695-10553C>G (NM_001351110.2); short protein forms D2841H.
Identifiers: ClinVar variation 482698 (VCV000482698.7), dbSNP rs786203013, ClinGen allele CA382518308.

ClinVar aggregate classification (germline): Uncertain significance (1 of 4 stars; one submission).

Conditions:
Hereditary cancer-predisposing syndrome. Also called: Neoplastic Syndromes, Hereditary; Hereditary Cancer Syndrome; Tumor predisposition; Hereditary neoplastic syndrome. Identifiers: Orphanet 140162, MedGen C0027672, MeSH D009386, MONDO:0015356.

Submission:

Ambry Genetics
Classification: Uncertain significance for Hereditary cancer-predisposing syndrome. Last evaluated: 2017-03-14. Review status: criteria provided, single submitter. Criteria: Ambry Variant Classification Scheme 2023. Collection method: clinical testing. Allele origin: germline.
Comment: The p.D2841H variant (also known as c.8521G>C), located in coding exon 57 of the ATM gene, results from a G to C substitution at nucleotide position 8521. The aspartic acid at codon 2841 is replaced by histidine, an amino acid with similar properties. This amino acid position is highly conserved in available vertebrate species. In addition, this alteration is predicted to be deleterious by in silico analysis. Since supporting evidence is limited at this time, the clinical significance of this alteration remains unclear.